The following is an entry in ClinVar:

ClinVar aggregate classification (germline): Benign. Review status: criteria provided, multiple submitters, no conflicts (2 of 4 stars). 2 submissions from 2 submitters: Benign (2). Last evaluated 2018-06-19.

Allele frequency attached by ClinVar (database versions not stated): gnomAD 0.04905 and 0.05055; TOPMed 0.05577; 1000 Genomes Project 0.06510; 1000 Genomes Project 30x 0.06574.
gnomAD v4.1: 7,392 of 152,216 alleles (4.9%); highest among the groups gnomAD compares: African/African-American, 14%; 528 homozygotes.

Submissions (2):

GeneDx
Classification: Benign. Last evaluated: 2018-06-19. Review status: criteria provided, single submitter. Criteria: GeneDx Variant Classification (06012015). Collection method: clinical testing. Allele origin: germline. Affected: yes.
Comment: This variant is considered likely benign or benign based on one or more of the following criteria: it is a conservative change, it occurs at a poorly conserved position in the protein, it is predicted to be benign by multiple in silico algorithms, and/or has population frequency not consistent with disease.

Breakthrough Genomics
Classification: Benign. Review status: criteria provided, single submitter. Criteria: ACMG Guidelines, 2015. Collection method: not provided. Allele origin: germline. Inheritance: Autosomal dominant inheritance. Affected: yes.

NM_000093.5(COL5A1):c.3529-172G>A

Gene: COL5A1 (collagen type V alpha 1 chain; plus strand). Cytogenetic location: 9q34.3.
Variant type: single nucleotide variant.
Coding change: c.3529-172G>A on transcript NM_000093.5 (MANE Select); 172 bases into the intron before coding-DNA position 3529, G replaced by A.
Molecular consequence: intron variant.
Genome position (GRCh38, 1-based): chr9:134,811,167, G>A. VCF-style: chr9-134811167-G-A. GRCh37 (hg19) VCF-style: chr9-137703013-G-A.
Other names: c.3529-172G>A (NM_001278074.1).
Identifiers: ClinVar variation 675733 (VCV000675733.2), dbSNP rs73664146, ClinGen allele CA201087218.